The following is an entry in ClinVar:

ClinVar aggregate classification (germline): Uncertain significance. Review status: criteria provided, multiple submitters, no conflicts (2 of 4 stars). 2 submissions from 2 submitters: Uncertain significance (2). Last evaluated 2025-08-24.

Conditions:
Hereditary cancer-predisposing syndrome. Also called: Hereditary neoplastic syndrome; Neoplastic Syndromes, Hereditary; Tumor predisposition; Hereditary Cancer Syndrome. Identifiers: Orphanet 140162, MedGen C0027672, MeSH D009386, MONDO:0015356.
POLD1-related polyposis and colorectal cancer syndrome (CRCS10). Also called: Colorectal cancer, susceptibility to, 10; Colorectal cancer 10; COLORECTAL CANCER, SUSCEPTIBILITY TO, ON CHROMOSOME 19q. Identifiers: Orphanet 220460, MedGen C2675481, MONDO:0012953, OMIM 612591.

gnomAD v4.1: 1 of 1,583,718 alleles (0.000063%); highest among the groups gnomAD compares: African/African-American, 0.0013%; no homozygotes.

Submissions (2):

Labcorp Genetics (formerly Invitae), Labcorp
Classification: Uncertain significance for POLD1-related polyposis and colorectal cancer syndrome. Last evaluated: 2025-08-24. Review status: criteria provided, single submitter. Criteria: Invitae Variant Classification Sherloc (09022015). Collection method: clinical testing. Allele origin: germline.
Comment: This sequence change replaces glutamic acid, which is acidic and polar, with glycine, which is neutral and non-polar, at codon 36 of the POLD1 protein (p.Glu36Gly). This variant is not present in population databases (gnomAD no frequency). This variant has not been reported in the literature in individuals affected with POLD1-related conditions. An algorithm developed to predict the effect of missense changes on protein structure and function (PolyPhen-2) suggests that this variant is likely to be tolerated. In summary, the available evidence is currently insufficient to determine the role of this variant in disease. Therefore, it has been classified as a Variant of Uncertain Significance.

Ambry Genetics
Classification: Uncertain significance for Hereditary cancer-predisposing syndrome. Last evaluated: 2025-07-14. Review status: criteria provided, single submitter. Criteria: Ambry Variant Classification Scheme 2023. Collection method: clinical testing. Allele origin: germline.
Comment: The p.E36G variant (also known as c.107A>G), located in coding exon 1 of the POLD1 gene, results from an A to G substitution at nucleotide position 107. The glutamic acid at codon 36 is replaced by glycine, an amino acid with similar properties. This amino acid position is conserved. In addition, this alteration is predicted to be tolerated by in silico analysis. Based on the available evidence, the clinical significance of this variant remains unclear.

NM_002691.4(POLD1):c.107A>G (p.Glu36Gly)

Gene: POLD1 (DNA polymerase delta 1, catalytic subunit; plus strand). Cytogenetic location: 19q13.33.
Variant type: single nucleotide variant.
Coding change: c.107A>G on transcript NM_002691.4 (MANE Select); coding-DNA position 107, A replaced by G.
Protein change: p.Glu36Gly; replaces glutamic acid 36 with glycine.
Molecular consequence: missense variant. On other transcripts: non-coding transcript variant (1).
Genome position (GRCh38, 1-based): chr19:50,398,958, A>G. VCF-style: chr19-50398958-A-G. GRCh37 (hg19) VCF-style: chr19-50902215-A-G.
Other names: c.107A>G, p.Glu36Gly (NM_001256849.1, NM_001308632.1, NM_001438210.1 and 3 more transcripts); short protein forms E36G.
Identifiers: ClinVar variation 4141002 (VCV004141002.2).